The following is an entry in ClinVar:

NM_003922.4(HERC1):c.6325T>C (p.Trp2109Arg)

Gene: HERC1 (HECT and RLD domain containing E3 ubiquitin protein ligase family member 1; minus strand). Cytogenetic location: 15q22.31.
Variant type: single nucleotide variant.
Coding change: c.6325T>C on transcript NM_003922.4 (MANE Select); coding-DNA position 6325, T replaced by C.
Protein change: p.Trp2109Arg; replaces tryptophan 2109 with arginine.
Molecular consequence: missense variant.
Genome position (GRCh38, 1-based): chr15:63,680,677, A>G on the plus strand (T>C on the coding strand, the complement: HERC1 is on the minus strand). VCF-style: chr15-63680677-A-G. GRCh37 (hg19) VCF-style: chr15-63972876-A-G.
Other names: short protein forms W2109R.
Identifiers: ClinVar variation 2579369 (VCV002579369.1), dbSNP rs2551409190, ClinGen allele CA392741527.

ClinVar aggregate classification (germline): Uncertain significance (1 of 4 stars; one submission).

Submission:

GeneDx
Classification: Uncertain significance. Last evaluated: 2023-02-03. Review status: criteria provided, single submitter. Criteria: GeneDx Variant Classification Process June 2021. Collection method: clinical testing. Allele origin: germline. Affected: yes.
Comment: Not observed at significant frequency in large population cohorts (gnomAD); In silico analysis supports that this missense variant has a deleterious effect on protein structure/function; Has not been previously published as pathogenic or benign to our knowledge